The following is an entry in ClinVar:

ClinVar aggregate classification (germline): Benign. Review status: criteria provided, multiple submitters, no conflicts (2 of 4 stars). 2 submissions from 2 submitters: Benign (2). Last evaluated 2018-01-13.

Conditions:
Nail-patella syndrome (NPS). Also called: FONG DISEASE; ONYCHOOSTEODYSPLASIA; TURNER-KIESER SYNDROME. Identifiers: Orphanet 2614, MedGen C0027341, MONDO:0008061, OMIM 161200.

Allele frequency attached by ClinVar (database versions not stated): gnomAD exomes 0.11765; gnomAD 0.18398 and 0.18589; TOPMed 0.19628; 1000 Genomes Project 0.23023; 1000 Genomes Project 30x 0.23126.

Submissions (8):

Illumina Laboratory Services, Illumina
Classification: Benign for Nail-patella syndrome. Last evaluated: 2018-01-13. Review status: criteria provided, single submitter. Criteria: ICSL Variant Classification Criteria 13 December 2019. Collection method: clinical testing. Allele origin: germline.
Comment: This variant was observed in the ICSL laboratory as part of a predisposition screen in an ostensibly healthy population. It had not been previously curated by ICSL or reported in the Human Gene Mutation Database (HGMD: prior to June 1st, 2018), and was therefore a candidate for classification through an automated scoring system. Utilizing variant allele frequency, disease prevalence and penetrance estimates, and inheritance mode, an automated score was calculated to assess if this variant is too frequent to cause the disease. Based on the score and internal cut-off values, a variant classified as benign is not then subjected to further curation. The score for this variant resulted in a classification of benign for this disease.

Breakthrough Genomics
Classification: Benign. Review status: criteria provided, single submitter. Criteria: ACMG Guidelines, 2015. Collection method: not provided. Allele origin: germline. Inheritance: Autosomal dominant inheritance. Affected: yes.

Dr. Peter K. Rogan Lab, Western University
No classification provided (evidence only). Condition: Ovarian serous cystadenocarcinoma. Review status: no classification provided. Collection method: in vitro. Allele origin: not applicable. Functional consequence: retained intron. Not counted in ClinVar's aggregate classification.

Dr. Peter K. Rogan Lab, Western University
No classification provided (evidence only). Condition: Ovarian serous cystadenocarcinoma. Review status: no classification provided. Collection method: in vitro. Allele origin: not applicable. Functional consequence: retained intron. Not counted in ClinVar's aggregate classification.

Dr. Peter K. Rogan Lab, Western University
No classification provided (evidence only). Condition: Ovarian serous cystadenocarcinoma. Review status: no classification provided. Collection method: in vitro. Allele origin: not applicable. Functional consequence: retained intron. Not counted in ClinVar's aggregate classification.

Dr. Peter K. Rogan Lab, Western University
No classification provided (evidence only). Condition: Ovarian serous cystadenocarcinoma. Review status: no classification provided. Collection method: in vitro. Allele origin: not applicable. Functional consequence: retained intron. Not counted in ClinVar's aggregate classification.

Dr. Peter K. Rogan Lab, Western University
No classification provided (evidence only). Condition: Ovarian serous cystadenocarcinoma. Review status: no classification provided. Collection method: in vitro. Allele origin: not applicable. Functional consequence: retained intron. Not counted in ClinVar's aggregate classification.

Dr. Peter K. Rogan Lab, Western University
No classification provided (evidence only). Condition: Ovarian serous cystadenocarcinoma. Review status: no classification provided. Collection method: in vitro. Allele origin: not applicable. Functional consequence: retained intron. Not counted in ClinVar's aggregate classification.

NM_001174147.2(LMX1B):c.*1255A>G

Gene: LMX1B (LIM homeobox transcription factor 1 beta; plus strand). Cytogenetic location: 9q33.3.
Variant type: single nucleotide variant.
Coding change: c.*1255A>G on transcript NM_001174147.2 (MANE Select); 1255 bases downstream of the stop codon, A replaced by G.
Molecular consequence: 3 prime UTR variant.
Genome position (GRCh38, 1-based): chr9:126,697,706, A>G. VCF-style: chr9-126697706-A-G. GRCh37 (hg19) VCF-style: chr9-129459985-A-G.
Other names: NC_000009.11:g.129459985A>G; c.*1255A>G (NM_001174146.2, NM_002316.4).
Identifiers: ClinVar variation 364919 (VCV000364919.7), dbSNP rs16929236, ClinGen allele CA10632283.